The following is an entry in ClinVar:

NM_033453.4(ITPA):c.307C>T (p.Leu103Phe)

Gene: ITPA (inosine triphosphatase; plus strand). Cytogenetic location: 20p13.
Variant type: single nucleotide variant.
Coding change: c.307C>T on transcript NM_033453.4 (MANE Select); coding-DNA position 307, C replaced by T.
Protein change: p.Leu103Phe; replaces leucine 103 with phenylalanine.
Molecular consequence: missense variant. On other transcripts: 5 prime UTR variant (4), non-coding transcript variant (2).
Genome position (GRCh38, 1-based): chr20:3,218,528, C>T. VCF-style: chr20-3218528-C-T. GRCh37 (hg19) VCF-style: chr20-3199174-C-T.
Other names: c.184C>T, p.Leu62Phe (NM_001267623.2); c.-31C>T (NM_001324236.2, NM_001324237.2, NM_001324238.2 and 1 more transcripts); c.307C>T, p.Leu103Phe (NM_001324240.2, NM_001424408.1); c.433C>T, p.Leu145Phe (NM_001424409.1); c.256C>T, p.Leu86Phe (NM_181493.4); short protein forms L86F, L62F, L103F, L145F.
Identifiers: ClinVar variation 1901758 (VCV001901758.5), dbSNP rs2067370056, ClinGen allele CA408079807.

ClinVar aggregate classification (germline): Uncertain significance (1 of 4 stars; one submission).

Conditions:
Inosine triphosphatase deficiency. Also called: INOSINE TRIPHOSPHATE PYROPHOSPHOHYDROLASE DEFICIENCY. Identifiers: MedGen C0342800, MONDO:0013461, OMIM 613850.

Allele frequency attached by ClinVar (database versions not stated): gnomAD exomes below 0.00001; TOPMed below 0.00001.
gnomAD v4.1: 2 of 1,613,730 alleles (0.00012%); highest among the groups gnomAD compares: Non-Finnish European, 0.00017%; no homozygotes.

Submission:

Labcorp Genetics (formerly Invitae), Labcorp
Classification: Uncertain significance for Inosine triphosphatase deficiency. Last evaluated: 2022-03-04. Review status: criteria provided, single submitter. Criteria: Invitae Variant Classification Sherloc (09022015). Collection method: clinical testing. Allele origin: germline.
Comment: This sequence change replaces leucine, which is neutral and non-polar, with phenylalanine, which is neutral and non-polar, at codon 103 of the ITPA protein (p.Leu103Phe). This variant is not present in population databases (gnomAD no frequency). This variant has not been reported in the literature in individuals affected with ITPA-related conditions. Algorithms developed to predict the effect of missense changes on protein structure and function are either unavailable or do not agree on the potential impact of this missense change (SIFT: "Deleterious"; PolyPhen-2: "Probably Damaging"; Align-GVGD: "Class C0"). In summary, the available evidence is currently insufficient to determine the role of this variant in disease. Therefore, it has been classified as a Variant of Uncertain Significance.